The following is an entry in ClinVar:

ClinVar aggregate classification (germline): Uncertain significance. Review status: criteria provided, multiple submitters, no conflicts (2 of 4 stars). 2 submissions from 2 submitters: Uncertain significance (2). Last evaluated 2025-01-09.

Conditions:
Inborn genetic diseases. Identifiers: MedGen C0950123, MeSH D030342.

Allele frequency attached by ClinVar (database versions not stated): ExAC 0.00001; gnomAD 0.00001; gnomAD exomes 0.00002 and 0.00004; TOPMed 0.00003; ESP Exome Variant Server 0.00008.

Submissions (2):

Ambry Genetics
Classification: Uncertain significance for Inborn genetic diseases. Last evaluated: 2025-01-09. Review status: criteria provided, single submitter. Criteria: Ambry Variant Classification Scheme 2023. Collection method: clinical testing. Allele origin: germline.

Labcorp Genetics (formerly Invitae), Labcorp
Classification: Uncertain significance. Last evaluated: 2022-10-07. Review status: criteria provided, single submitter. Criteria: Invitae Variant Classification Sherloc (09022015). Collection method: clinical testing. Allele origin: germline.
Comment: This sequence change replaces arginine, which is basic and polar, with tryptophan, which is neutral and slightly polar, at codon 433 of the HPS6 protein (p.Arg433Trp). This variant is present in population databases (rs375759799, gnomAD 0.01%). This variant has not been reported in the literature in individuals affected with HPS6-related conditions. ClinVar contains an entry for this variant (Variation ID: 1450236). Advanced modeling of protein sequence and biophysical properties (such as structural, functional, and spatial information, amino acid conservation, physicochemical variation, residue mobility, and thermodynamic stability) performed at Invitae indicates that this missense variant is not expected to disrupt HPS6 protein function. In summary, the available evidence is currently insufficient to determine the role of this variant in disease. Therefore, it has been classified as a Variant of Uncertain Significance.

NM_024747.6(HPS6):c.1297C>T (p.Arg433Trp)

Gene: HPS6 (HPS6 biogenesis of lysosomal organelles complex 2 subunit 3; plus strand). Cytogenetic location: 10q24.32.
Variant type: single nucleotide variant.
Coding change: c.1297C>T on transcript NM_024747.6 (MANE Select); coding-DNA position 1297, C replaced by T.
Protein change: p.Arg433Trp; replaces arginine 433 with tryptophan.
Molecular consequence: missense variant.
Genome position (GRCh38, 1-based): chr10:102,066,771, C>T. VCF-style: chr10-102066771-C-T. GRCh37 (hg19) VCF-style: chr10-103826528-C-T.
Other names: c.1297C>T (NM_024747.5); short protein forms R433W.
Identifiers: ClinVar variation 1450236 (VCV001450236.6), dbSNP rs375759799, ClinGen allele CA5659960.
Genomic context (GRCh38, chr10:102,066,771, plus strand): 5'-CGGCGGAGCCTGCGGGGTGCCCAGCTCACTCCAGAAGAACTGAGACACAGCAGCACATTC[C>T]GGGCACCTCAGGCTCTGGCCTCCATCCTCCAGGGCCACCTGCCCCCATCTGCACTGCTGA-3'
Protein context (NP_079023.2, residues 423-443): PEELRHSSTF[Arg433Trp]APQALASILQ